The following is an entry in ClinVar:

NM_018012.4(KIF26B):c.2655C>A (p.Gly885=)

Gene: KIF26B (kinesin family member 26B; plus strand). Cytogenetic location: 1q44.
Variant type: single nucleotide variant.
Coding change: c.2655C>A on transcript NM_018012.4 (MANE Select); coding-DNA position 2655, C replaced by A.
Protein change: p.Gly885=; no amino-acid change (glycine 885 retained).
Molecular consequence: synonymous variant.
Genome position (GRCh38, 1-based): chr1:245,685,638, C>A. VCF-style: chr1-245685638-C-A. GRCh37 (hg19) VCF-style: chr1-245848940-C-A.
Identifiers: ClinVar variation 715901 (VCV000715901.6), dbSNP rs190318015, ClinGen allele CA1488064.

ClinVar aggregate classification (germline): Benign. Review status: criteria provided, multiple submitters, no conflicts (2 of 4 stars). 3 submissions from 3 submitters: Benign (2). 1 of the submissions does not count toward it. Last evaluated 2018-04-20.

Conditions:
KIF26B-related disorder. Also called: KIF26B-related condition.

Allele frequency attached by ClinVar (database versions not stated): ESP Exome Variant Server 0.00438; 1000 Genomes Project 0.00459; TOPMed 0.00518; 1000 Genomes Project 30x 0.00578.
gnomAD v4.1: 1,390 of 1,613,232 alleles (0.086%); highest among the groups gnomAD compares: African/African-American, 1.6%; 15 homozygotes.

Submissions (3):

Labcorp Genetics (formerly Invitae), Labcorp
Classification: Benign. Last evaluated: 2018-04-20. Review status: criteria provided, single submitter. Criteria: Invitae Variant Classification Sherloc (09022015). Collection method: clinical testing. Allele origin: germline.

Breakthrough Genomics
Classification: Benign. Review status: criteria provided, single submitter. Criteria: ACMG Guidelines, 2015. Collection method: not provided. Allele origin: germline. Inheritance: Unknown mechanism. Affected: yes.

PreventionGenetics, part of Exact Sciences
Classification: Benign for KIF26B-related condition. Last evaluated: 2019-06-17. Review status: no assertion criteria provided. Collection method: clinical testing. Allele origin: germline. Not counted in ClinVar's aggregate classification.
Comment: This variant is classified as benign based on ACMG/AMP sequence variant interpretation guidelines (Richards et al. 2015 PMID: 25741868, with internal and published modifications).